The following is an entry in ClinVar:

NM_201550.4(LRRC10):c.249T>C (p.Asp83=)

Gene: LRRC10 (leucine rich repeat containing 10; minus strand). Cytogenetic location: 12q15.
Variant type: single nucleotide variant.
Coding change: c.249T>C on transcript NM_201550.4 (MANE Select); coding-DNA position 249, T replaced by C.
Protein change: p.Asp83=; no amino-acid change (aspartic acid 83 retained).
Molecular consequence: synonymous variant.
Genome position (GRCh38, 1-based): chr12:69,610,590, A>G on the plus strand (T>C on the coding strand, the complement: LRRC10 is on the minus strand). VCF-style: chr12-69610590-A-G. GRCh37 (hg19) VCF-style: chr12-70004370-A-G.
Identifiers: ClinVar variation 2029888 (VCV002029888.4), dbSNP rs1314767403, ClinGen allele CA480731641.

ClinVar aggregate classification (germline): Uncertain significance (1 of 4 stars; one submission).

Allele frequency attached by ClinVar (database versions not stated): gnomAD exomes below 0.00001.
gnomAD v4.1: 1 of 1,613,890 alleles (0.000062%); highest among the groups gnomAD compares: African/African-American, 0.0013%; no homozygotes.

Submission:

Labcorp Genetics (formerly Invitae), Labcorp
Classification: Uncertain significance. Last evaluated: 2022-09-10. Review status: criteria provided, single submitter. Criteria: Invitae Variant Classification Sherloc (09022015). Collection method: clinical testing. Allele origin: germline.
Comment: This sequence change affects codon 83 of the LRRC10 mRNA. It is a 'silent' change, meaning that it does not change the encoded amino acid sequence of the LRRC10 protein. In summary, the available evidence is currently insufficient to determine the role of this variant in disease. Therefore, it has been classified as a Variant of Uncertain Significance. This variant has not been reported in the literature in individuals affected with LRRC10-related conditions. This variant is present in population databases (no rsID available, gnomAD 0.007%).